The following is an entry in ClinVar:

ClinVar aggregate classification (germline): Uncertain significance (1 of 4 stars; one submission).

Conditions:
Hajdu-Cheney syndrome (HJCYS). Also called: ACROOSTEOLYSIS WITH OSTEOPOROSIS AND CHANGES IN SKULL AND MANDIBLE; SERPENTINE FIBULA-POLYCYSTIC KIDNEY SYNDROME; Acroosteolysis dominant type. Identifiers: Orphanet 955, MedGen C0917715, MONDO:0007057, OMIM 102500.

Allele frequency attached by ClinVar (database versions not stated): TOPMed below 0.00001; ExAC 0.00001; gnomAD exomes 0.00001.
gnomAD v4.1: 10 of 1,613,990 alleles (0.00062%); highest among the groups gnomAD compares: Admixed American, 0.0017%; no homozygotes.

Submission:

Labcorp Genetics (formerly Invitae), Labcorp
Classification: Uncertain significance for Hajdu-Cheney syndrome. Last evaluated: 2023-12-19. Review status: criteria provided, single submitter. Criteria: Invitae Variant Classification Sherloc (09022015). Collection method: clinical testing. Allele origin: germline.
Comment: This sequence change replaces alanine, which is neutral and non-polar, with threonine, which is neutral and polar, at codon 345 of the NOTCH2 protein (p.Ala345Thr). This variant is present in population databases (rs782154624, gnomAD 0.003%). This variant has not been reported in the literature in individuals affected with NOTCH2-related conditions. ClinVar contains an entry for this variant (Variation ID: 2108120). Advanced modeling of protein sequence and biophysical properties (such as structural, functional, and spatial information, amino acid conservation, physicochemical variation, residue mobility, and thermodynamic stability) performed at Invitae indicates that this missense variant is not expected to disrupt NOTCH2 protein function with a negative predictive value of 95%. In summary, the available evidence is currently insufficient to determine the role of this variant in disease. Therefore, it has been classified as a Variant of Uncertain Significance.

NM_024408.4(NOTCH2):c.1033G>A (p.Ala345Thr)

Gene: NOTCH2 (notch receptor 2; minus strand). Cytogenetic location: 1p12.
Variant type: single nucleotide variant.
Coding change: c.1033G>A on transcript NM_024408.4 (MANE Select); coding-DNA position 1033, G replaced by A.
Protein change: p.Ala345Thr; replaces alanine 345 with threonine.
Molecular consequence: missense variant.
Genome position (GRCh38, 1-based): chr1:119,969,586, C>T on the plus strand (G>A on the coding strand, the complement: NOTCH2 is on the minus strand). VCF-style: chr1-119969586-C-T. GRCh37 (hg19) VCF-style: chr1-120512209-C-T.
Other names: c.1033G>A, p.Ala345Thr (NM_001200001.2); short protein forms A345T.
Identifiers: ClinVar variation 2108120 (VCV002108120.4), dbSNP rs782154624, ClinGen allele CA1040631.